The following is an entry in ClinVar:

NM_001277115.2(DNAH11):c.11_22dup (p.Ala7_Arg8insGlnValAlaAla)

Gene: DNAH11 (dynein axonemal heavy chain 11; plus strand). Cytogenetic location: 7p15.3.
Variant type: Duplication.
Coding change: c.11_22dup on transcript NM_001277115.2 (MANE Select); coding-DNA positions 11 to 22, 12 bases duplicated (AGGTGGCAGCCC).
Protein change: p.Ala7_Arg8insGlnValAlaAla.
Molecular consequence: inframe insertion, initiator codon variant. On other transcripts: inframe indel (1).
Genome position (GRCh38, 1-based): chr7:21,543,256-21,543,267, AGGTGGCAGCCC duplicated; duplicating any 12 consecutive bases within chr7:21,543,247-21,543,267 gives the same sequence; the c. name uses the placement nearest the transcript's 3' end. VCF-style (leftmost placement, unchanged base first): chr7-21543246-A-ATGGCAGCCCAGG. GRCh37 (hg19) VCF-style: chr7-21582864-A-ATGGCAGCCCAGG.
Other names: c.11_22dup, p.Ala7_Arg8insGlnValAlaAla (NM_003777.3).
Identifiers: ClinVar variation 1792177 (VCV001792177.3), dbSNP rs1554305648, ClinGen allele CA454138733.

ClinVar aggregate classification (germline): Uncertain significance (1 of 4 stars; one submission).

Conditions:
Primary ciliary dyskinesia. Also called: Ciliary dyskinesia. Identifiers: Orphanet 244, MedGen C0008780, MONDO:0016575, HP:0012265.

Submission:

Ambry Genetics
Classification: Uncertain significance for Primary ciliary dyskinesia. Last evaluated: 2016-03-31. Review status: criteria provided, single submitter. Criteria: Ambry Variant Classification Scheme 2023. Collection method: clinical testing. Allele origin: germline.
Comment: The c.11_22dup12 variant (also known as p.Q4_A7dup), located in coding exon 1 of the DNAH11 gene, results from an in-frame duplication of 12 nucleotides between nucleotide positions 11 and 22. This results in the duplication of 4 extra amino acid residues (QVAA) between codons 4 and 7. This variant was not reported in population based cohorts in the following databases: Database of Single Nucleotide Polymorphisms (dbSNP), NHLBI Exome Sequencing Project (ESP), and 1000 Genomes Project. In the ESP, this variant was not observed in 4003 samples (8006 alleles) with coverage at this position. These amino acid positions are poorly conserved on limited sequence alignment. Since supporting evidence is limited at this time, the clinical significance of this variant remains unclear.